The following is an entry in ClinVar:

ClinVar aggregate classification (germline): Uncertain significance. Review status: criteria provided, multiple submitters, no conflicts (2 of 4 stars). 6 submissions from 6 submitters: Uncertain significance (6). Last evaluated 2025-10-25.

Conditions:
Inborn genetic diseases. Identifiers: MedGen C0950123, MeSH D030342.
Hyperkalemic periodic paralysis. Also called: Familial hyperkalemic periodic paralysis; Gamstorp disease. Identifiers: Orphanet 682, MedGen C0238357, MONDO:0008224, OMIM 170500, HP:0007215.
Hypokalemic periodic paralysis, type 2 (HOKPP2). Identifiers: Orphanet 681, MedGen C2750061, MONDO:0013234, OMIM 613345.
Potassium-aggravated myotonia. Also called: MYOTONIA CONGENITA, ACETAZOLAMIDE-RESPONSIVE; MYOTONIA CONGENITA, ATYPICAL; SODIUM CHANNEL MUSCLE DISEASE; Myotonia congenita, atypical, acetazolamide-responsive. Identifiers: Orphanet 612, Orphanet 99734, Orphanet 99735, Orphanet 99736, MedGen C2931826, MONDO:0018959, OMIM 608390.
Congenital myasthenic syndrome 16. Identifiers: Orphanet 590, MedGen C3280112, MONDO:0013620, OMIM 614198.
Paramyotonia congenita of Von Eulenburg. Also called: Paramyotonia Congenita; Eulenburg disease; Myotonia congenita intermittens; Von Eulenburg paramyotonia congenita; PARALYSIS PERIODICA PARAMYOTONICA. Identifiers: Orphanet 684, MedGen C0221055, MONDO:0008195, OMIM 168300. Disease mechanism: loss of function.
Congenital myopathy 22A, classic (CMYO22A). Identifiers: MedGen C5830453, MONDO:0957247, OMIM 620351.
Congenital myopathy 22B, severe fetal (CMYO22B). Identifiers: MedGen C5830501, MONDO:0957265, OMIM 620369.

Allele frequency attached by ClinVar (database versions not stated): gnomAD 0.00006; ExAC 0.00005; ESP Exome Variant Server 0.00008; TOPMed 0.00009.
gnomAD v4.1: 246 of 1,613,814 alleles (0.015%); highest among the groups gnomAD compares: Non-Finnish European, 0.02%; no homozygotes.

Submissions (6):

Labcorp Genetics (formerly Invitae), Labcorp
Classification: Uncertain significance for Hyperkalemic periodic paralysis. Last evaluated: 2025-10-25. Review status: criteria provided, single submitter. Criteria: Invitae Variant Classification Sherloc (09022015). Collection method: clinical testing. Allele origin: germline.
Comment: This sequence change replaces arginine, which is basic and polar, with histidine, which is basic and polar, at codon 122 of the SCN4A protein (p.Arg122His). This variant is present in population databases (rs374529559, gnomAD 0.01%). This variant has not been reported in the literature in individuals affected with SCN4A-related conditions. ClinVar contains an entry for this variant (Variation ID: 448276). Invitae Evidence Modeling of protein sequence and biophysical properties (such as structural, functional, and spatial information, amino acid conservation, physicochemical variation, residue mobility, and thermodynamic stability) has been performed for this missense variant. However, the output from this modeling did not meet the statistical confidence thresholds required to predict the impact of this variant on SCN4A protein function. In summary, the available evidence is currently insufficient to determine the role of this variant in disease. Therefore, it has been classified as a Variant of Uncertain Significance.

GeneDx
Classification: Uncertain significance. Last evaluated: 2024-12-17. Review status: criteria provided, single submitter. Criteria: GeneDx Variant Classification Process June 2021. Collection method: clinical testing. Allele origin: germline. Affected: yes.
Comment: In silico analysis supports that this missense variant has a deleterious effect on protein structure/function; Has not been previously published as pathogenic or benign to our knowledge

Ambry Genetics
Classification: Uncertain significance for Inborn genetic diseases. Last evaluated: 2024-04-23. Review status: criteria provided, single submitter. Criteria: Ambry Variant Classification Scheme 2023. Collection method: clinical testing. Allele origin: germline.

Fulgent Genetics
Classification: Uncertain significance for Paramyotonia congenita of Von Eulenburg; Hyperkalemic periodic paralysis; Potassium-aggravated myotonia; Hypokalemic periodic paralysis, type 2; Congenital myasthenic syndrome 16; Congenital myopathy 22A, classic; Congenital myopathy 22B, severe fetal. Last evaluated: 2023-12-29. Review status: criteria provided, single submitter. Criteria: ACMG Guidelines, 2015. Collection method: clinical testing. Allele origin: germline.

Revvity Omics, Revvity
Classification: Uncertain significance. Last evaluated: 2022-05-11. Review status: criteria provided, single submitter. Criteria: ACMG Guidelines, 2015. Collection method: clinical testing. Allele origin: germline.

Athena Diagnostics
Classification: Uncertain significance. Last evaluated: 2022-01-13. Review status: criteria provided, single submitter. Criteria: Athena Diagnostics Criteria. Collection method: clinical testing. Allele origin: unknown.

NM_000334.4(SCN4A):c.365G>A (p.Arg122His)

Gene: SCN4A (sodium voltage-gated channel alpha subunit 4; minus strand). Cytogenetic location: 17q23.3.
Variant type: single nucleotide variant.
Coding change: c.365G>A on transcript NM_000334.4 (MANE Select); coding-DNA position 365, G replaced by A.
Protein change: p.Arg122His; replaces arginine 122 with histidine.
Molecular consequence: missense variant.
Genome position (GRCh38, 1-based): chr17:63,972,379, C>T on the plus strand (G>A on the coding strand, the complement: SCN4A is on the minus strand). VCF-style: chr17-63972379-C-T. GRCh37 (hg19) VCF-style: chr17-62049739-C-T.
Other names: short protein forms R122H.
Identifiers: ClinVar variation 448276 (VCV000448276.15), dbSNP rs374529559, ClinGen allele CA8710195.
Genomic context (GRCh38, chr17:63,972,379, plus strand): 5'-CCCCTCCCGCCTCTCCCATCTTGGGCAGGATATGCATGGATGAGCACCTTGATGGCCCCG[C>T]GCCTGACTACGCTGAAGGGGCTCAGCAGGTAGAGAGCAGGTGTGGCGGAGAAGCGGAAGA-3'
Protein context (NP_000325.4, residues 112-132): YLLSPFSVVR[Arg122His]GAIKVLIHAL